The following is an entry in ClinVar:

NM_000455.5(STK11):c.922_931delinsCC (p.Trp308fs)

Gene: STK11 (serine/threonine kinase 11; plus strand). Cytogenetic location: 19p13.3.
Variant type: Indel.
Coding change: c.922_931delinsCC on transcript NM_000455.5 (MANE Select); coding-DNA positions 922 to 931, TGGTTCCGGA replaced by CC.
Protein change: p.Trp308fs; shifts the reading frame from tryptophan 308.
Molecular consequence: frameshift variant.
Genome position (GRCh38, 1-based): chr19:1,222,986-1,222,995, TGGTTCCGGA replaced by CC. VCF-style: chr19-1222986-TGGTTCCGGA-CC. GRCh37 (hg19) VCF-style: chr19-1222985-TGGTTCCGGA-CC.
Other names: short protein forms W308fs.
Identifiers: ClinVar variation 823105 (VCV000823105.4), dbSNP rs1599929258, ClinGen allele CA915951597.
Genomic context (GRCh38, chr19:1,222,986, plus strand): 5'-GAAAACTGGACCGCCCTGGTGCCAGCCTGACAGGCGCCACTGCTTCTGGGCGTTTGCAGC[TGGTTCCGGA>CC]AGAAACATCCTCCGGCTGAAGCACCAGTGCCCATCCCACCGAGCCCAGACACCAAGGACC-3'

ClinVar aggregate classification (germline): Pathogenic (1 of 4 stars; one submission).

Conditions:
Hereditary cancer-predisposing syndrome. Also called: Tumor predisposition; Hereditary Cancer Syndrome; Neoplastic Syndromes, Hereditary; Hereditary neoplastic syndrome. Identifiers: Orphanet 140162, MedGen C0027672, MeSH D009386, MONDO:0015356.

Submission:

Ambry Genetics
Classification: Pathogenic for Hereditary cancer-predisposing syndrome. Last evaluated: 2019-11-19. Review status: criteria provided, single submitter. Criteria: Ambry Variant Classification Scheme 2023. Collection method: clinical testing. Allele origin: germline.
Comment: The c.922_931del10insCC variant, located in coding exon 8 of the STK11 gene, results from the deletion of 10 nucleotides and insertion of two nucleotides causing a translational frameshift with a predicted alternate stop codon (p.W308Pfs*7). This alteration is expected to result in loss of function by premature protein truncation or nonsense-mediated mRNA decay. As such, this alteration is interpreted as a disease-causing mutation.